The following is an entry in ClinVar:

NM_016363.5(GP6):c.548dup (p.Ser184fs)

Gene: GP6 (glycoprotein VI platelet; minus strand). Cytogenetic location: 19q13.42.
Variant type: Duplication.
Coding change: c.548dup on transcript NM_016363.5 (MANE Select); coding-DNA position 548, one base duplicated (T; older notation c.548dupT).
Protein change: p.Ser184fs; shifts the reading frame from serine 184.
Molecular consequence: frameshift variant.
Genome position (GRCh38, 1-based): chr19:55,027,640, A duplicated on the plus strand (T on the coding strand, the reverse complement: GP6 is on the minus strand); the first of 2 consecutive A bases (chr19:55,027,640-55,027,641); duplicating either gives the same sequence. VCF-style (leftmost placement, unchanged base first): chr19-55027639-G-GA. GRCh37 (hg19) VCF-style: chr19-55539007-G-GA.
Other names: c.548dup, p.Ser184fs (NM_001083899.2, NM_001256017.2); short protein forms S184fs.
Identifiers: ClinVar variation 2720135 (VCV002720135.3), dbSNP rs2514192810, ClinGen allele CA2697547245.
Genomic context (GRCh38, chr19:55,027,639, plus strand): 5'-TGTGACCACAAGCTCCAGGGGGTCGCTGGGGGCTGACCACAGGTATGGGTCCCTGCTGGA[G>GA]AAGCTGTAGCATCGGTAGGTTCCGCTGTGGGCGGCGGTCACCGTGATGATGGGAAAACTA-3'

ClinVar aggregate classification (germline): Pathogenic (1 of 4 stars; one submission).

Submission:

Labcorp Genetics (formerly Invitae), Labcorp
Classification: Pathogenic. Last evaluated: 2024-10-28. Review status: criteria provided, single submitter. Criteria: Invitae Variant Classification Sherloc (09022015). Collection method: clinical testing. Allele origin: germline.
Comment: This sequence change creates a premature translational stop signal (p.Ser184Leufs*46) in the GP6 gene. It is expected to result in an absent or disrupted protein product. Loss-of-function variants in GP6 are known to be pathogenic (PMID: 16139873, 23815599). This variant is not present in population databases (gnomAD no frequency). This variant has not been reported in the literature in individuals affected with GP6-related conditions. For these reasons, this variant has been classified as Pathogenic.

Literature cited by the submitters: PubMed 16139873; PubMed 23815599.